The following is an entry in ClinVar:

NM_002474.3(MYH11):c.1009G>A (p.Gly337Ser)

Gene: MYH11 (myosin heavy chain 11; minus strand). Cytogenetic location: 16p13.11.
Variant type: single nucleotide variant.
Coding change: c.1009G>A on transcript NM_002474.3 (MANE Select); coding-DNA position 1009, G replaced by A.
Protein change: p.Gly337Ser; replaces glycine 337 with serine.
Molecular consequence: missense variant.
Genome position (GRCh38, 1-based): chr16:15,771,593, C>T on the plus strand (G>A on the coding strand, the complement: MYH11 is on the minus strand). VCF-style: chr16-15771593-C-T. GRCh37 (hg19) VCF-style: chr16-15865450-C-T.
Other names: c.1030G>A, p.Gly344Ser (NM_001040113.2, NM_001040114.2); c.1009G>A, p.Gly337Ser (NM_022844.3); short protein forms G337S, G344S.
Identifiers: ClinVar variation 918877 (VCV000918877.4), dbSNP rs1393758073, ClinGen allele CA394867610.

ClinVar aggregate classification (germline): Uncertain significance (1 of 4 stars; one submission).

Conditions:
Familial thoracic aortic aneurysm and aortic dissection (TAAD). Also called: Thoracic aortic aneurysms and dissections. Identifiers: Orphanet 91387, MedGen C4707243, MONDO:0019625.

Allele frequency attached by ClinVar (database versions not stated): gnomAD 0.00001.
gnomAD v4.1: 2 of 1,613,886 alleles (0.00012%); highest among the groups gnomAD compares: Non-Finnish European, 0.00017%; no homozygotes.

Submission:

Color Diagnostics, LLC DBA Color Health
Classification: Uncertain significance for Familial thoracic aortic aneurysm and aortic dissection. Last evaluated: 2024-03-06. Review status: criteria provided, single submitter. Criteria: ACMG Guidelines, 2015. Collection method: clinical testing. Allele origin: germline.
Comment: This missense variant replaces glycine with serine at codon 344 of the MYH11 protein. Computational prediction tool is inconclusive regarding the impact of this variant on protein structure and function (internally defined REVEL score threshold 0.5 < inconclusive < 0.7, PMID: 27666373). Splice site prediction tools suggest that this variant may not impact RNA splicing. To our knowledge, functional studies have not been performed for this variant. This variant has not been reported in individuals affected with cardiovascular disorders in the literature. This variant has been identified in 1/31338 chromosomes in the general population by the Genome Aggregation Database (gnomAD). The available evidence is insufficient to determine the role of this variant in disease conclusively. Therefore, this variant is classified as a Variant of Uncertain Significance.